The following is an entry in ClinVar:

ClinVar aggregate classification (germline): Uncertain significance (1 of 4 stars; one submission).

Conditions:
PHGDH deficiency. Identifiers: Orphanet 79351, MedGen C1866174, MONDO:0011152, OMIM 601815.

Submission:

Labcorp Genetics (formerly Invitae), Labcorp
Classification: Uncertain significance for PHGDH deficiency. Last evaluated: 2022-02-05. Review status: criteria provided, single submitter. Criteria: Invitae Variant Classification Sherloc (09022015). Collection method: clinical testing. Allele origin: germline.
Comment: This sequence change replaces proline, which is neutral and non-polar, with phenylalanine, which is neutral and non-polar, at codon 122 of the PHGDH protein (p.Pro122Phe). This variant is present in population databases (no rsID available, gnomAD 0.04%). This variant has not been reported in the literature in individuals affected with PHGDH-related conditions. Algorithms developed to predict the effect of missense changes on protein structure and function are either unavailable or do not agree on the potential impact of this missense change (SIFT: "Not Available"; PolyPhen-2: "Probably Damaging"; Align-GVGD: "Not Available"). In summary, the available evidence is currently insufficient to determine the role of this variant in disease. Therefore, it has been classified as a Variant of Uncertain Significance.

NM_006623.4(PHGDH):c.364_365delinsTT (p.Pro122Phe)

Gene: PHGDH (phosphoglycerate dehydrogenase; plus strand). Cytogenetic location: 1p12.
Variant type: Indel.
Coding change: c.364_365delinsTT on transcript NM_006623.4 (MANE Select); coding-DNA positions 364 to 365, CC replaced by TT.
Protein change: p.Pro122Phe; replaces proline 122 with phenylalanine.
Molecular consequence: missense variant.
Genome position (GRCh38, 1-based): chr1:119,726,858-119,726,859, CC replaced by TT. VCF-style: chr1-119726858-CC-TT. GRCh37 (hg19) VCF-style: chr1-120269481-CC-TT.
Other names: short protein forms P122F.
Identifiers: ClinVar variation 1423664 (VCV001423664.5), dbSNP rs2101171167, ClinGen allele CA2573130994.